The following is an entry in ClinVar:

NM_015311.3(OBSL1):c.5191C>T (p.Arg1731Cys)

Gene: OBSL1 (obscurin like cytoskeletal adaptor 1; minus strand). Cytogenetic location: 2q35.
Variant type: single nucleotide variant.
Coding change: c.5191C>T on transcript NM_015311.3 (MANE Select); coding-DNA position 5191, C replaced by T.
Protein change: p.Arg1731Cys; replaces arginine 1731 with cysteine.
Molecular consequence: missense variant.
Genome position (GRCh38, 1-based): chr2:219,552,653, G>A on the plus strand (C>T on the coding strand, the complement: OBSL1 is on the minus strand). VCF-style: chr2-219552653-G-A. GRCh37 (hg19) VCF-style: chr2-220417375-G-A.
Other names: short protein forms R1731C.
Identifiers: ClinVar variation 1366147 (VCV001366147.8), dbSNP rs958942749, ClinGen allele CA66022363.

ClinVar aggregate classification (germline): Uncertain significance (1 of 4 stars; one submission).

Allele frequency attached by ClinVar (database versions not stated): gnomAD 0.00001; TOPMed 0.00001.
gnomAD v4.1: 26 of 1,544,938 alleles (0.0017%); highest among the groups gnomAD compares: African/African-American, 0.0068%; no homozygotes.

Submission:

Labcorp Genetics (formerly Invitae), Labcorp
Classification: Uncertain significance. Last evaluated: 2022-07-05. Review status: criteria provided, single submitter. Criteria: Invitae Variant Classification Sherloc (09022015). Collection method: clinical testing. Allele origin: germline.
Comment: In summary, the available evidence is currently insufficient to determine the role of this variant in disease. Therefore, it has been classified as a Variant of Uncertain Significance. Algorithms developed to predict the effect of missense changes on protein structure and function are either unavailable or do not agree on the potential impact of this missense change (SIFT: "Deleterious"; PolyPhen-2: "Probably Damaging"; Align-GVGD: "Class C0"). ClinVar contains an entry for this variant (Variation ID: 1366147). This variant has not been reported in the literature in individuals affected with OBSL1-related conditions. The frequency data for this variant in the population databases is considered unreliable, as metrics indicate poor data quality at this position in the gnomAD database. This sequence change replaces arginine, which is basic and polar, with cysteine, which is neutral and slightly polar, at codon 1731 of the OBSL1 protein (p.Arg1731Cys).